The following is an entry in ClinVar:

NM_139318.5(KCNH5):c.979C>A (p.Arg327Ser)

Gene: KCNH5 (potassium voltage-gated channel subfamily H member 5; minus strand). Cytogenetic location: 14q23.2.
Variant type: single nucleotide variant.
Coding change: c.979C>A on transcript NM_139318.5 (MANE Select); coding-DNA position 979, C replaced by A.
Protein change: p.Arg327Ser; replaces arginine 327 with serine.
Molecular consequence: missense variant.
Genome position (GRCh38, 1-based): chr14:62,950,523, G>T on the plus strand (C>A on the coding strand, the complement: KCNH5 is on the minus strand). VCF-style: chr14-62950523-G-T. GRCh37 (hg19) VCF-style: chr14-63417241-G-T.
Other names: c.979C>A, p.Arg327Ser (NM_172375.3); short protein forms R327S.
Identifiers: ClinVar variation 2835906 (VCV002835906.3), dbSNP rs1164997707, ClinGen allele CA390103521.

ClinVar aggregate classification (germline): Likely pathogenic (1 of 4 stars; one submission).

Conditions:
Early-infantile DEE. Also called: Early infantile epileptic encephalopathy; Early infantile epileptic encephalopathy with suppression bursts; Ohtahara syndrome. Identifiers: Orphanet 1934, MedGen C0393706, MONDO:0800491.

Submission:

Labcorp Genetics (formerly Invitae), Labcorp
Classification: Likely pathogenic for Early-infantile DEE. Last evaluated: 2023-02-09. Review status: criteria provided, single submitter. Criteria: Invitae Variant Classification Sherloc (09022015). Collection method: clinical testing. Allele origin: germline.
Comment: In summary, the currently available evidence indicates that the variant is pathogenic, but additional data are needed to prove that conclusively. Therefore, this variant has been classified as Likely Pathogenic. This variant disrupts the p.Arg327 amino acid residue in KCNH5. Other variant(s) that disrupt this residue have been determined to be pathogenic (PMID: 23647072, 24133262). This suggests that this residue is clinically significant, and that variants that disrupt this residue are likely to be disease-causing. Advanced modeling of protein sequence and biophysical properties (such as structural, functional, and spatial information, amino acid conservation, physicochemical variation, residue mobility, and thermodynamic stability) performed at Invitae indicates that this missense variant is expected to disrupt KCNH5 protein function. This variant has not been reported in the literature in individuals affected with KCNH5-related conditions. This variant is not present in population databases (gnomAD no frequency). This sequence change replaces arginine, which is basic and polar, with serine, which is neutral and polar, at codon 327 of the KCNH5 protein (p.Arg327Ser).

Literature cited by the submitters: PubMed 23647072; PubMed 24133262.